The following is an entry in ClinVar:

NM_000384.3(APOB):c.10182G>C (p.Lys3394Asn)

Gene: APOB (apolipoprotein B; minus strand). Cytogenetic location: 2p24.1.
Variant type: single nucleotide variant.
Coding change: c.10182G>C on transcript NM_000384.3 (MANE Select); coding-DNA position 10182, G replaced by C.
Protein change: p.Lys3394Asn; replaces lysine 3394 with asparagine.
Molecular consequence: missense variant.
Genome position (GRCh38, 1-based): chr2:21,006,686, C>G on the plus strand (G>C on the coding strand, the complement: APOB is on the minus strand). VCF-style: chr2-21006686-C-G. GRCh37 (hg19) VCF-style: chr2-21229558-C-G.
Other names: short protein forms K3394N.
Identifiers: ClinVar variation 2084238 (VCV002084238.4), dbSNP rs1382988295, ClinGen allele CA345987170.

ClinVar aggregate classification (germline): Pathogenic (1 of 4 stars; one submission).

Conditions:
Hypercholesterolemia, autosomal dominant, type B (FHCL2). Also called: Familial hypercholesterolemia 2; Familial Hypercholesterolemia Type B; APOLIPOPROTEIN B-100, FAMILIAL DEFECTIVE; APOLIPOPROTEIN B-100, FAMILIAL LIGAND-DEFECTIVE; HYPERCHOLESTEROLEMIA, FAMILIAL, DUE TO LIGAND-DEFECTIVE APOLIPOPROTEIN B; Hyperlipoproteinemia Type IIb. Identifiers: MedGen C1704417, MONDO:0007751, OMIM 144010.
Familial hypobetalipoproteinemia 1. Also called: APOB-Related Familial Hypobetalipoproteinemia; Hypobetalipoproteinemia, normotriglyceridemic; Acanthocytosis with hypobetalipoproteinemia. Identifiers: MedGen C4551990, MONDO:0014252, OMIM 615558.

Submission:

Labcorp Genetics (formerly Invitae), Labcorp
Classification: Pathogenic for Familial hypobetalipoproteinemia 1; Hypercholesterolemia, autosomal dominant, type B. Last evaluated: 2022-01-15. Review status: criteria provided, single submitter. Criteria: Invitae Variant Classification Sherloc (09022015). Collection method: clinical testing. Allele origin: germline.
Comment: For these reasons, this variant has been classified as Pathogenic. This variant disrupts the p.Lys3394 amino acid residue in APOB. Other variant(s) that disrupt this residue have been determined to be pathogenic (Invitae). This suggests that this residue is clinically significant, and that variants that disrupt this residue are likely to be disease-causing. Advanced modeling of protein sequence and biophysical properties (such as structural, functional, and spatial information, amino acid conservation, physicochemical variation, residue mobility, and thermodynamic stability) performed at Invitae indicates that this missense variant is expected to disrupt APOB protein function. This missense change has been observed in individual(s) with familial hypercholesterolemia (PMID: 22408029). It has also been observed to segregate with disease in related individuals. This variant is not present in population databases (gnomAD no frequency). This sequence change replaces lysine, which is basic and polar, with asparagine, which is neutral and polar, at codon 3394 of the APOB protein (p.Lys3394Asn).

Literature cited by the submitters: PubMed 22408029.